The following is an entry in ClinVar:

ClinVar aggregate classification (germline): Uncertain significance. Review status: criteria provided, multiple submitters, no conflicts (2 of 4 stars). 3 submissions from 3 submitters: Uncertain significance (3). Last evaluated 2024-04-16.

Conditions:
Inborn genetic diseases. Identifiers: MedGen C0950123, MeSH D030342.

Allele frequency attached by ClinVar (database versions not stated): gnomAD 0.00002; TOPMed 0.00002; gnomAD exomes 0.00005; ExAC 0.00009.
gnomAD v4.1: 71 of 1,613,732 alleles (0.0044%); highest among the groups gnomAD compares: South Asian, 0.037%; no homozygotes.

Submissions (3):

Labcorp Genetics (formerly Invitae), Labcorp
Classification: Uncertain significance. Last evaluated: 2024-04-16. Review status: criteria provided, single submitter. Criteria: Invitae Variant Classification Sherloc (09022015). Collection method: clinical testing. Allele origin: germline.
Comment: This sequence change replaces alanine, which is neutral and non-polar, with valine, which is neutral and non-polar, at codon 2762 of the CDH23 protein (p.Ala2762Val). This variant is present in population databases (rs761688618, gnomAD 0.04%). This variant has not been reported in the literature in individuals affected with CDH23-related conditions. ClinVar contains an entry for this variant (Variation ID: 2161566). Advanced modeling of protein sequence and biophysical properties (such as structural, functional, and spatial information, amino acid conservation, physicochemical variation, residue mobility, and thermodynamic stability) performed at Invitae indicates that this missense variant is not expected to disrupt CDH23 protein function with a negative predictive value of 95%. In summary, the available evidence is currently insufficient to determine the role of this variant in disease. Therefore, it has been classified as a Variant of Uncertain Significance.

Blueprint Genetics
Classification: Uncertain significance. Last evaluated: 2023-11-20. Review status: criteria provided, single submitter. Criteria: ACMG Guidelines, 2015. Collection method: clinical testing. Allele origin: germline.

Ambry Genetics
Classification: Uncertain significance for Inborn genetic diseases. Last evaluated: 2022-01-18. Review status: criteria provided, single submitter. Criteria: Ambry Variant Classification Scheme 2023. Collection method: clinical testing. Allele origin: germline.

NM_022124.6(CDH23):c.8285C>T (p.Ala2762Val)

Gene: CDH23 (cadherin related 23; plus strand). Cytogenetic location: 10q22.1.
Variant type: single nucleotide variant.
Coding change: c.8285C>T on transcript NM_022124.6 (MANE Select); coding-DNA position 8285, C replaced by T.
Protein change: p.Ala2762Val; replaces alanine 2762 with valine.
Molecular consequence: missense variant.
Genome position (GRCh38, 1-based): chr10:71,807,383, C>T. VCF-style: chr10-71807383-C-T. GRCh37 (hg19) VCF-style: chr10-73567140-C-T.
Other names: c.1565C>T, p.Ala522Val (NM_001171933.1, NM_001171934.1); c.8285C>T (NM_022124.5); short protein forms A522V, A2762V.
Identifiers: ClinVar variation 2161566 (VCV002161566.4), dbSNP rs761688618, ClinGen allele CA5546598.